The following is an entry in ClinVar:

ClinVar aggregate classification (germline): Uncertain significance (1 of 4 stars; one submission).

gnomAD v4.1: 1 of 1,612,424 alleles (0.000062%); highest among the groups gnomAD compares: Non-Finnish European, 0.000085%; no homozygotes.

Submission:

Labcorp Genetics (formerly Invitae), Labcorp
Classification: Uncertain significance. Last evaluated: 2024-08-19. Review status: criteria provided, single submitter. Criteria: Invitae Variant Classification Sherloc (09022015). Collection method: clinical testing. Allele origin: germline.
Comment: This sequence change replaces lysine, which is basic and polar, with arginine, which is basic and polar, at codon 1540 of the POLE protein (p.Lys1540Arg). This variant is not present in population databases (gnomAD no frequency). This variant has not been reported in the literature in individuals affected with POLE-related conditions. Invitae Evidence Modeling of protein sequence and biophysical properties (such as structural, functional, and spatial information, amino acid conservation, physicochemical variation, residue mobility, and thermodynamic stability) indicates that this missense variant is not expected to disrupt POLE protein function with a negative predictive value of 80%. In summary, the available evidence is currently insufficient to determine the role of this variant in disease. Therefore, it has been classified as a Variant of Uncertain Significance.

NM_006231.4(POLE):c.4619A>G (p.Lys1540Arg)

Gene: POLE (DNA polymerase epsilon, catalytic subunit; minus strand). Cytogenetic location: 12q24.33.
Variant type: single nucleotide variant.
Coding change: c.4619A>G on transcript NM_006231.4 (MANE Select); coding-DNA position 4619, A replaced by G.
Protein change: p.Lys1540Arg; replaces lysine 1540 with arginine.
Molecular consequence: missense variant.
Genome position (GRCh38, 1-based): chr12:132,642,929, T>C on the plus strand (A>G on the coding strand, the complement: POLE is on the minus strand). VCF-style: chr12-132642929-T-C. GRCh37 (hg19) VCF-style: chr12-133219515-T-C.
Other names: short protein forms K1540R.
Identifiers: ClinVar variation 3662828 (VCV003662828.2).